The following is an entry in ClinVar:

ClinVar aggregate classification (germline): Benign (0 of 4 stars; one submission).

Conditions:
DLGAP2-related disorder. Also called: DLGAP2-related condition.

Allele frequency attached by ClinVar (database versions not stated): gnomAD 0.00281; TOPMed 0.00298; 1000 Genomes Project 0.00300; 1000 Genomes Project 30x 0.00312.
gnomAD v4.1: 827 of 1,563,588 alleles (0.053%); highest among the groups gnomAD compares: African/African-American, 0.95%; 2 homozygotes.

Submission:

PreventionGenetics, part of Exact Sciences
Classification: Benign for DLGAP2-related condition. Last evaluated: 2019-05-08. Review status: no assertion criteria provided. Collection method: clinical testing. Allele origin: germline.
Comment: This variant is classified as benign based on ACMG/AMP sequence variant interpretation guidelines (Richards et al. 2015 PMID: 25741868, with internal and published modifications).

NM_001346810.2(DLGAP2):c.1173C>G (p.Asp391Glu)

Gene: DLGAP2 (DLG associated protein 2; plus strand). Cytogenetic location: 8p23.3.
Variant type: single nucleotide variant.
Coding change: c.1173C>G on transcript NM_001346810.2 (MANE Select); coding-DNA position 1173, C replaced by G.
Protein change: p.Asp391Glu; replaces aspartic acid 391 with glutamic acid.
Molecular consequence: missense variant.
Genome position (GRCh38, 1-based): chr8:1,549,626, C>G. VCF-style: chr8-1549626-C-G. GRCh37 (hg19) VCF-style: chr8-1497792-C-G.
Other names: short protein forms D391E.
Identifiers: ClinVar variation 3042075 (VCV003042075.2), dbSNP rs150999171, ClinGen allele CA4598356.